The following is an entry in ClinVar:

ClinVar aggregate classification (germline): Uncertain significance (1 of 4 stars; one submission).

Conditions:
Familial thoracic aortic aneurysm and aortic dissection (TAAD). Also called: Thoracic aortic aneurysms and dissections. Identifiers: Orphanet 91387, MedGen C4707243, MONDO:0019625.

gnomAD v4.1: 1 of 1,607,490 alleles (0.000062%); highest among the groups gnomAD compares: African/African-American, 0.0013%; no homozygotes.

Submission:

Ambry Genetics
Classification: Uncertain significance for Familial thoracic aortic aneurysm and aortic dissection. Last evaluated: 2024-03-28. Review status: criteria provided, single submitter. Criteria: Ambry Variant Classification Scheme 2023. Collection method: clinical testing. Allele origin: germline.
Comment: The p.A1740E variant (also known as c.5219C>A), located in coding exon 28 of the NOTCH1 gene, results from a C to A substitution at nucleotide position 5219. The alanine at codon 1740 is replaced by glutamic acid, an amino acid with dissimilar properties. This amino acid position is conserved. In addition, the in silico prediction for this alteration is inconclusive. Based on the available evidence, the clinical significance of this alteration remains unclear.

NM_017617.5(NOTCH1):c.5219C>A (p.Ala1740Glu)

Gene: NOTCH1 (notch receptor 1; minus strand). Cytogenetic location: 9q34.3.
Variant type: single nucleotide variant.
Coding change: c.5219C>A on transcript NM_017617.5 (MANE Select); coding-DNA position 5219, C replaced by A.
Protein change: p.Ala1740Glu; replaces alanine 1740 with glutamic acid.
Molecular consequence: missense variant.
Genome position (GRCh38, 1-based): chr9:136,502,437, G>T on the plus strand (C>A on the coding strand, the complement: NOTCH1 is on the minus strand). VCF-style: chr9-136502437-G-T. GRCh37 (hg19) VCF-style: chr9-139396889-G-T.
Other names: short protein forms A1740E.
Identifiers: ClinVar variation 3300442 (VCV003300442.1).
Genomic context (GRCh38, chr9:136,502,437, plus strand): 5'-CGCTTGCGGGACAGCAGCACCCCGCAGCCCACGAAGAACAGAAGCACAAAGGCGGCCGCC[G>T]CCACGTACATGAAGTGCAGCTGCGCCGGCGGGGGCGGCTCCACGGTCTCACCTGCGGGCA-3'
Protein context (NP_060087.3, residues 1730-1750): PPAQLHFMYV[Ala1740Glu]AAAFVLLFFV